The following is an entry in ClinVar:

NM_000297.4(PKD2):c.674T>C (p.Val225Ala)

Gene: PKD2 (polycystin 2, transient receptor potential cation channel; plus strand). Cytogenetic location: 4q22.1.
Variant type: single nucleotide variant.
Coding change: c.674T>C on transcript NM_000297.4 (MANE Select); coding-DNA position 674, T replaced by C.
Protein change: p.Val225Ala; replaces valine 225 with alanine.
Molecular consequence: missense variant. On other transcripts: non-coding transcript variant (1).
Genome position (GRCh38, 1-based): chr4:88,019,536, T>C. VCF-style: chr4-88019536-T-C. GRCh37 (hg19) VCF-style: chr4-88940688-T-C.
Other names: short protein forms V225A.
Identifiers: ClinVar variation 3689210 (VCV003689210.2).

ClinVar aggregate classification (germline): Uncertain significance (1 of 4 stars; one submission).

Conditions:
Autosomal dominant polycystic kidney disease. Identifiers: Orphanet 730, MedGen C0085413, MONDO:0004691.

gnomAD v4.1: 1 of 1,593,998 alleles (0.000063%); highest among the groups gnomAD compares: Non-Finnish European, 0.000086%; no homozygotes.

Submission:

Labcorp Genetics (formerly Invitae), Labcorp
Classification: Uncertain significance for Autosomal dominant polycystic kidney disease. Last evaluated: 2024-06-19. Review status: criteria provided, single submitter. Criteria: Invitae Variant Classification Sherloc (09022015). Collection method: clinical testing. Allele origin: germline.
Comment: This sequence change replaces valine, which is neutral and non-polar, with alanine, which is neutral and non-polar, at codon 225 of the PKD2 protein (p.Val225Ala). This variant is not present in population databases (gnomAD no frequency). This variant has not been reported in the literature in individuals affected with PKD2-related conditions. Advanced modeling of protein sequence and biophysical properties (such as structural, functional, and spatial information, amino acid conservation, physicochemical variation, residue mobility, and thermodynamic stability) performed at Invitae indicates that this missense variant is not expected to disrupt PKD2 protein function with a negative predictive value of 80%. In summary, the available evidence is currently insufficient to determine the role of this variant in disease. Therefore, it has been classified as a Variant of Uncertain Significance.